The following is an entry in ClinVar:

NM_152594.3(SPRED1):c.1273del (p.Met425fs)

Gene: SPRED1 (sprouty related EVH1 domain containing 1; plus strand). Cytogenetic location: 15q14.
Variant type: Deletion.
Coding change: c.1273del on transcript NM_152594.3 (MANE Select); coding-DNA position 1273, one base deleted (A; older notation c.1273delA).
Protein change: p.Met425fs; shifts the reading frame from methionine 425.
Molecular consequence: frameshift variant.
Genome position (GRCh38, 1-based): chr15:38,351,602, A deleted; the last of 2 consecutive A bases (chr15:38,351,601-38,351,602); deleting either gives the same sequence. VCF-style (leftmost placement, unchanged base first): chr15-38351600-GA-G. GRCh37 (hg19) VCF-style: chr15-38643801-GA-G.
Other names: short protein forms M425fs.
Identifiers: ClinVar variation 1693579 (VCV001693579.2), dbSNP rs2141016737, ClinGen allele CA2580089342.
Genomic context (GRCh38, chr15:38,351,600, plus strand): 5'-GGTTAGCCCTGGTAGCTTTGTCTTTCATTGTACCATGTATGTGCTGCTACGTCCCTTTGA[GA>G]ATGTGCCATCGCTGTGGTGAGGCATGTGGTTGCTGTGGTGGGAAACATAAAGCTGCTGGA-3'

ClinVar aggregate classification (germline): Pathogenic (1 of 4 stars; one submission).

Conditions:
Legius syndrome. Identifiers: Orphanet 137605, MedGen C1969623, MONDO:0012669, OMIM 611431. Disease mechanism: loss of function.

Submission:

Center for Human Genetics and Genomic Medicine, Uniklinik Rwth Aachen
Classification: Pathogenic for Legius syndrome. Last evaluated: 2022-02-15. Review status: criteria provided, single submitter. Criteria: ACMG Guidelines, 2015. Collection method: clinical testing. Allele origin: de novo. Inheritance: Autosomal dominant inheritance. Affected: yes.
Comment: The detected change has not been reported in the relevant databases (dbSNP151, gnomAD, ClinVar) or in the literature. In the case of stop or nonsense variants in a gene that matches the phenotype, there is a high probability of pathogenetic relevance. The variant is currently to be regarded as a "pathogenic variant" (ACMG criteria).